The following is an entry in ClinVar:

ClinVar aggregate classification (germline): Likely benign (0 of 4 stars; one submission).

Conditions:
MAP3K6-related disorder. Also called: MAP3K6-related condition.

Allele frequency attached by ClinVar (database versions not stated): ESP Exome Variant Server 0.00038; ExAC 0.00046; gnomAD 0.00052; TOPMed 0.00052; gnomAD exomes 0.00103.
gnomAD v4.1: 1,547 of 1,604,956 alleles (0.096%); highest among the groups gnomAD compares: Non-Finnish European, 0.13%; no homozygotes.

Submission:

PreventionGenetics, part of Exact Sciences
Classification: Likely benign for MAP3K6-related condition. Last evaluated: 2019-07-19. Review status: no assertion criteria provided. Collection method: clinical testing. Allele origin: germline.
Comment: This variant is classified as likely benign based on ACMG/AMP sequence variant interpretation guidelines (Richards et al. 2015 PMID: 25741868, with internal and published modifications).

NM_004672.5(MAP3K6):c.1415+9C>T

Gene: MAP3K6 (mitogen-activated protein kinase kinase kinase 6; minus strand). Cytogenetic location: 1p36.11.
Variant type: single nucleotide variant.
Coding change: c.1415+9C>T on transcript NM_004672.5 (MANE Select); 9 bases into the intron after coding-DNA position 1415, C replaced by T.
Molecular consequence: intron variant.
Genome position (GRCh38, 1-based): chr1:27,362,082, G>A on the plus strand (C>T on the coding strand, the complement: MAP3K6 is on the minus strand). VCF-style: chr1-27362082-G-A. GRCh37 (hg19) VCF-style: chr1-27688573-G-A.
Other names: c.1391+9C>T (NM_001297609.2).
Identifiers: ClinVar variation 3037710 (VCV003037710.2), dbSNP rs373777368, ClinGen allele CA713782.